The following is an entry in ClinVar:

ClinVar aggregate classification (germline): Likely pathogenic (1 of 4 stars; one submission).

Conditions:
Lissencephaly due to LIS1 mutation (LIS1). Also called: Isolated Lissencephaly Sequence; PAFAH1B1-Associated Lissencephaly/Subcortical Band Heterotopia; PAFAH1B1-Related Lissencephaly/Subcortical Band Heterotopia. Identifiers: Orphanet 95232, MedGen C4749301, MONDO:0011830, OMIM 607432.

Submission:

Institute of Human Genetics, University of Leipzig Medical Center
Classification: Likely pathogenic for Lissencephaly due to LIS1 mutation. Last evaluated: 2025-03-31. Review status: criteria provided, single submitter. Criteria: ACMG Guidelines, 2015. Collection method: clinical testing. Allele origin: de novo. Inheritance: Autosomal dominant inheritance. Affected: yes.
Comment: Criteria applied: PM2,PP2,PP3,PS2_MOD

NM_000430.4(PAFAH1B1):c.932T>C (p.Leu311Ser)

Gene: PAFAH1B1 (platelet activating factor acetylhydrolase 1b regulatory subunit 1; plus strand). Cytogenetic location: 17p13.3.
Variant type: single nucleotide variant.
Coding change: c.932T>C on transcript NM_000430.4 (MANE Select); coding-DNA position 932, T replaced by C.
Protein change: p.Leu311Ser; replaces leucine 311 with serine.
Molecular consequence: missense variant.
Genome position (GRCh38, 1-based): chr17:2,676,536, T>C. VCF-style: chr17-2676536-T-C. GRCh37 (hg19) VCF-style: chr17-2579830-T-C.
Other names: short protein forms L311S.
Identifiers: ClinVar variation 3778715 (VCV003778715.2).